The following is an entry in ClinVar:

NM_000170.3(GLDC):c.1843C>A (p.Pro615Thr)

Gene: GLDC (glycine decarboxylase; minus strand). Cytogenetic location: 9p24.1.
Variant type: single nucleotide variant.
Coding change: c.1843C>A on transcript NM_000170.3 (MANE Select); coding-DNA position 1843, C replaced by A.
Protein change: p.Pro615Thr; replaces proline 615 with threonine.
Molecular consequence: missense variant.
Genome position (GRCh38, 1-based): chr9:6,587,148, G>T on the plus strand (C>A on the coding strand, the complement: GLDC is on the minus strand). VCF-style: chr9-6587148-G-T. GRCh37 (hg19) VCF-style: chr9-6587148-G-T.
Other names: short protein forms P615T.
Identifiers: ClinVar variation 1503822 (VCV001503822.8), dbSNP rs2129831448, ClinGen allele CA372891128.

ClinVar aggregate classification (germline): Likely pathogenic (1 of 4 stars; one submission).

Conditions:
Glycine encephalopathy. Also called: Nonketotic hyperglycinemia; Non-ketotic hyperglycinemia. Identifiers: Orphanet 407, MedGen C0751748, MONDO:0011612, HP:0008288.

Submission:

Labcorp Genetics (formerly Invitae), Labcorp
Classification: Likely pathogenic for Glycine encephalopathy. Last evaluated: 2021-07-21. Review status: criteria provided, single submitter. Criteria: Invitae Variant Classification Sherloc (09022015). Collection method: clinical testing. Allele origin: germline.
Comment: This sequence change replaces proline with threonine at codon 615 of the GLDC protein (p.Pro615Thr). The proline residue is highly conserved and there is a small physicochemical difference between proline and threonine. This variant is not present in population databases (ExAC no frequency). This variant has not been reported in the literature in individuals affected with GLDC-related conditions. Advanced modeling of protein sequence and biophysical properties (such as structural, functional, and spatial information, amino acid conservation, physicochemical variation, residue mobility, and thermodynamic stability) performed at Invitae indicates that this missense variant is expected to disrupt GLDC protein function. This variant disrupts the p.Pro615 amino acid residue in GLDC. Other variant(s) that disrupt this residue have been determined to be pathogenic (PMID: 26179960). This suggests that this residue is clinically significant, and that variants that disrupt this residue are likely to be disease-causing. In summary, the currently available evidence indicates that the variant is pathogenic, but additional data are needed to prove that conclusively. Therefore, this variant has been classified as Likely Pathogenic.

Literature cited by the submitters: PubMed 26179960.